The following is an entry in ClinVar:

ClinVar aggregate classification (germline): Uncertain significance. Review status: criteria provided, multiple submitters, no conflicts (2 of 4 stars). 2 submissions from 2 submitters: Uncertain significance (2). Last evaluated 2025-10-08.

Conditions:
Holoprosencephaly 3 (HPE3). Identifiers: Orphanet 2162, MedGen C1840529, MONDO:0007733, OMIM 142945.

Allele frequency attached by ClinVar (database versions not stated): TOPMed below 0.00001; gnomAD 0.00001.
gnomAD v4.1: 5 of 1,474,160 alleles (0.00034%); highest among the groups gnomAD compares: Middle Eastern, 0.021%; no homozygotes.

Submissions (2):

Labcorp Genetics (formerly Invitae), Labcorp
Classification: Uncertain significance for Holoprosencephaly 3. Last evaluated: 2025-10-08. Review status: criteria provided, single submitter. Criteria: Invitae Variant Classification Sherloc (09022015). Collection method: clinical testing. Allele origin: germline.
Comment: This sequence change replaces arginine, which is basic and polar, with serine, which is neutral and polar, at codon 321 of the SHH protein (p.Arg321Ser). This variant is not present in population databases (gnomAD no frequency). This missense change has been observed in individual(s) with holoprosencephaly (PMID: 19603532). ClinVar contains an entry for this variant (Variation ID: 1489481). An algorithm developed to predict the effect of missense changes on protein structure and function (PolyPhen-2) suggests that this variant is likely to be disruptive. In summary, the available evidence is currently insufficient to determine the role of this variant in disease. Therefore, it has been classified as a Variant of Uncertain Significance.

Breakthrough Genomics
Classification: Uncertain significance. Review status: criteria provided, single submitter. Criteria: ACMG Guidelines, 2015. Collection method: not provided. Allele origin: germline. Inheritance: Autosomal recessive inheritance. Affected: yes.

Literature cited by the submitters: PubMed 19603532 (cited by Labcorp Genetics (formerly Invitae), Labcorp).

NM_000193.4(SHH):c.961C>A (p.Arg321Ser)

Gene: SHH (sonic hedgehog signaling molecule; minus strand). Cytogenetic location: 7q36.3.
Variant type: single nucleotide variant.
Coding change: c.961C>A on transcript NM_000193.4 (MANE Select); coding-DNA position 961, C replaced by A.
Protein change: p.Arg321Ser; replaces arginine 321 with serine.
Molecular consequence: missense variant. On other transcripts: intron variant (1).
Genome position (GRCh38, 1-based): chr7:155,803,328, G>T on the plus strand (C>A on the coding strand, the complement: SHH is on the minus strand). VCF-style: chr7-155803328-G-T. GRCh37 (hg19) VCF-style: chr7-155596022-G-T.
Other names: c.301+2968C>A (NM_001310462.2); short protein forms R321S.
Identifiers: ClinVar variation 1489481 (VCV001489481.7), dbSNP rs1803249091, ClinGen allele CA370145539.